The following is an entry in ClinVar:

NM_000138.5(FBN1):c.6496+158A>G

Gene: FBN1 (fibrillin 1; minus strand). Cytogenetic location: 15q21.1.
Variant type: single nucleotide variant.
Coding change: c.6496+158A>G on transcript NM_000138.5 (MANE Select); 158 bases into the intron after coding-DNA position 6496, A replaced by G.
Molecular consequence: intron variant.
Genome position (GRCh38, 1-based): chr15:48,436,803, T>C on the plus strand (A>G on the coding strand, the complement: FBN1 is on the minus strand). VCF-style: chr15-48436803-T-C. GRCh37 (hg19) VCF-style: chr15-48729000-T-C.
Identifiers: ClinVar variation 675672 (VCV000675672.1), dbSNP rs56270063, ClinGen allele CA269525963.

ClinVar aggregate classification (germline): Likely benign (1 of 4 stars; one submission).

Allele frequency attached by ClinVar (database versions not stated): 1000 Genomes Project 0.00619; 1000 Genomes Project 30x 0.00640; TOPMed 0.01120; gnomAD 0.01207 and 0.01234.
gnomAD v4.1: 1,817 of 152,298 alleles (1.2%); highest among the groups gnomAD compares: Non-Finnish European, 1.9%; 13 homozygotes.

Submission:

GeneDx
Classification: Likely benign. Last evaluated: 2018-06-14. Review status: criteria provided, single submitter. Criteria: GeneDx Variant Classification (06012015). Collection method: clinical testing. Allele origin: germline. Affected: yes.
Comment: This variant is considered likely benign or benign based on one or more of the following criteria: it is a conservative change, it occurs at a poorly conserved position in the protein, it is predicted to be benign by multiple in silico algorithms, and/or has population frequency not consistent with disease.